The following is an entry in ClinVar:

NM_000180.4(GUCY2D):c.146C>T (p.Ala49Val)

Gene: GUCY2D (guanylate cyclase 2D, retinal; plus strand). Cytogenetic location: 17p13.1.
Variant type: single nucleotide variant.
Coding change: c.146C>T on transcript NM_000180.4 (MANE Select); coding-DNA position 146, C replaced by T.
Protein change: p.Ala49Val; replaces alanine 49 with valine.
Molecular consequence: missense variant.
Genome position (GRCh38, 1-based): chr17:8,003,193, C>T. VCF-style: chr17-8003193-C-T. GRCh37 (hg19) VCF-style: chr17-7906511-C-T.
Other names: short protein forms A49V.
Identifiers: ClinVar variation 4982053 (VCV004982053.1).

ClinVar aggregate classification (germline): Uncertain significance (1 of 4 stars; one submission).

Conditions:
GUCY2D-related disorder. Also called: GUCY2D-related condition.

gnomAD v4.1: 21 of 1,518,718 alleles (0.0014%); highest among the groups gnomAD compares: Non-Finnish European, 0.0018%; no homozygotes.

Submission:

PreventionGenetics, part of Exact Sciences
Classification: Uncertain significance for GUCY2D-related condition. Last evaluated: 2026-03-27. Review status: criteria provided, single submitter. Criteria: ACMG Guidelines, 2015. Collection method: clinical testing. Allele origin: germline.
Comment: The GUCY2D c.146C>T variant is predicted to result in the amino acid substitution p.Ala49Val. To our knowledge, this variant has not been reported in the literature. This variant is present in 0.0035% of alleles in individuals of European (Non-Finnish) descent in gnomAD. At this time, the clinical significance of this variant is uncertain due to the absence of conclusive functional and genetic evidence.